The following is an entry in ClinVar:

NM_014714.4(IFT140):c.2987del (p.Asn996fs)

Genes: IFT140 (intraflagellar transport 140; minus strand), LOC126862260 (CDK7 strongly-dependent group 2 enhancer GRCh37_chr16:1574508-1575707; plus strand). Cytogenetic location: 16p13.3.
Variant type: Deletion.
Coding change: c.2987del on transcript NM_014714.4 (MANE Select); coding-DNA position 2987, one base deleted (A; older notation c.2987delA).
Protein change: p.Asn996fs; shifts the reading frame from asparagine 996.
Molecular consequence: frameshift variant.
Genome position (GRCh38, 1-based): chr16:1,524,794, T deleted on the plus strand (A on the coding strand, the reverse complement: IFT140 is on the minus strand); the first of 2 consecutive T bases (chr16:1,524,794-1,524,795); deleting either gives the same sequence. VCF-style (leftmost placement, unchanged base first): chr16-1524793-AT-A. GRCh37 (hg19) VCF-style: chr16-1574794-AT-A.
Other names: short protein forms N996fs.
Identifiers: ClinVar variation 2115570 (VCV002115570.4), dbSNP rs1567328510, ClinGen allele CA620700927.

ClinVar aggregate classification (germline): Pathogenic (1 of 4 stars; one submission).

Conditions:
Saldino-Mainzer syndrome (SRTD9). Also called: CONORENAL SYNDROME; Renal dysplasia, retinal pigmentary dystrophy, cerebellar ataxia and skeletal dysplasia; SHORT-RIB THORACIC DYSPLASIA 9 WITHOUT POLYDACTYLY; short-rib thoracic dysplasia 9 with or without polydactyly. Identifiers: Orphanet 140969, MedGen C1849437, MONDO:0009964, OMIM 266920.

Submission:

Labcorp Genetics (formerly Invitae), Labcorp
Classification: Pathogenic for Saldino-Mainzer syndrome. Last evaluated: 2025-04-16. Review status: criteria provided, single submitter. Criteria: Invitae Variant Classification Sherloc (09022015). Collection method: clinical testing. Allele origin: germline.
Comment: This sequence change creates a premature translational stop signal (p.Asn996Metfs*8) in the IFT140 gene. It is expected to result in an absent or disrupted protein product. Loss-of-function variants in IFT140 are known to be pathogenic (PMID: 22503633, 23418020, 24009529, 26216056). This variant is present in population databases (no rsID available, gnomAD 0.0009%). This variant has not been reported in the literature in individuals affected with IFT140-related conditions. ClinVar contains an entry for this variant (Variation ID: 2115570). For these reasons, this variant has been classified as Pathogenic.

Literature cited by the submitters: PubMed 22503633; PubMed 23418020; PubMed 24009529; PubMed 26216056.